The following is an entry in ClinVar:

NM_000455.5(STK11):c.1177A>T (p.Asn393Tyr)

Gene: STK11 (serine/threonine kinase 11; plus strand). Cytogenetic location: 19p13.3.
Variant type: single nucleotide variant.
Coding change: c.1177A>T on transcript NM_000455.5 (MANE Select); coding-DNA position 1177, A replaced by T.
Protein change: p.Asn393Tyr; replaces asparagine 393 with tyrosine.
Molecular consequence: missense variant. On other transcripts: non-coding transcript variant (1).
Genome position (GRCh38, 1-based): chr19:1,226,522, A>T. VCF-style: chr19-1226522-A-T. GRCh37 (hg19) VCF-style: chr19-1226521-A-T.
Other names: short protein forms N393Y.
Identifiers: ClinVar variation 2850565 (VCV002850565.3), dbSNP rs2145436083, ClinGen allele CA402953540.

ClinVar aggregate classification (germline): Uncertain significance (1 of 4 stars; one submission).

Conditions:
Peutz-Jeghers syndrome (PJS). Also called: POLYPOSIS, HAMARTOMATOUS INTESTINAL; POLYPS-AND-SPOTS SYNDROME; Peutz-Jeghers polyposis; Periorificial lentiginosis syndrome. Identifiers: Orphanet 2869, MedGen C0031269, MeSH D010580, MONDO:0008280, OMIM 175200.

Submission:

Labcorp Genetics (formerly Invitae), Labcorp
Classification: Uncertain significance for Peutz-Jeghers syndrome. Last evaluated: 2023-03-29. Review status: criteria provided, single submitter. Criteria: Invitae Variant Classification Sherloc (09022015). Collection method: clinical testing. Allele origin: germline.
Comment: This sequence change replaces asparagine, which is neutral and polar, with tyrosine, which is neutral and polar, at codon 393 of the STK11 protein (p.Asn393Tyr). This variant is not present in population databases (gnomAD no frequency). This variant has not been reported in the literature in individuals affected with STK11-related conditions. Advanced modeling of protein sequence and biophysical properties (such as structural, functional, and spatial information, amino acid conservation, physicochemical variation, residue mobility, and thermodynamic stability) performed at Invitae indicates that this missense variant is not expected to disrupt STK11 protein function. In summary, the available evidence is currently insufficient to determine the role of this variant in disease. Therefore, it has been classified as a Variant of Uncertain Significance.